The following is an entry in ClinVar:

ClinVar aggregate classification (germline): Likely pathogenic (1 of 4 stars; one submission).

Conditions:
MYCBP2-related disorder. Also called: MYCBP2-related condition.

Submission:

3billion
Classification: Likely pathogenic for MYCBP2-related disorder. Last evaluated: 2025-12-02. Review status: criteria provided, single submitter. Criteria: ACMG Guidelines, 2015. Collection method: clinical testing. Allele origin: germline. Affected: yes.
Comment: The variant is not observed in the gnomAD v4.1.0 dataset. Predicted Consequence/Location: Stop-gained (nonsense): predicted to result in a loss or disruption of normal protein function through nonsense-mediated decay (NMD) or protein truncation. Multiple pathogenic variants are reported downstream of the variant. Therefore, this variant is classified as Likely pathogenic according to the recommendation of ACMG/AMP guideline.

NM_015057.5(MYCBP2):c.7608G>A (p.Trp2536Ter)

Gene: MYCBP2 (MYC binding protein 2; minus strand). Cytogenetic location: 13q22.3.
Variant type: single nucleotide variant.
Coding change: c.7608G>A on transcript NM_015057.5 (MANE Select); coding-DNA position 7608, G replaced by A.
Protein change: p.Trp2536Ter; replaces tryptophan 2536 with a stop codon.
Molecular consequence: nonsense.
Genome position (GRCh38, 1-based): chr13:77,139,247, C>T on the plus strand (G>A on the coding strand, the complement: MYCBP2 is on the minus strand). VCF-style: chr13-77139247-C-T. GRCh37 (hg19) VCF-style: chr13-77713382-C-T.
Other names: short protein forms W2536*.
Identifiers: ClinVar variation 4855059 (VCV004855059.1).